The following is an entry in ClinVar:

NM_000037.4(ANK1):c.28-2A>G

Gene: ANK1 (ankyrin 1; minus strand). Cytogenetic location: 8p11.21.
Variant type: single nucleotide variant.
Coding change: c.28-2A>G on transcript NM_000037.4 (MANE Select); the canonical splice acceptor site of the intron before coding-DNA position 28, A replaced by G.
Molecular consequence: splice acceptor variant.
Genome position (GRCh38, 1-based): chr8:41,758,139, T>C on the plus strand (A>G on the coding strand, the complement: ANK1 is on the minus strand). VCF-style: chr8-41758139-T-C. GRCh37 (hg19) VCF-style: chr8-41615657-T-C.
Other names: c.127-2A>G (NM_001142446.2); c.28-2A>G (NM_020477.3, NM_020475.3, NM_020476.3).
Identifiers: ClinVar variation 1929408 (VCV001929408.5), dbSNP rs2487161473, ClinGen allele CA371054312.
Genomic context (GRCh38, chr8:41,758,139, plus strand): 5'-AAAGCTTTGTCCAAGTTACCTGATCTTGCTGCTCTCAGAAAGCTGGTAGCAGCATCGGCC[T>C]GTGAGGAAAAACAACAGGCGGTGAGTGTCCTGGGTGTATTAATGACTTCTCCACCCCGTT-3'

ClinVar aggregate classification (germline): Likely pathogenic (1 of 4 stars; one submission).

Submission:

Labcorp Genetics (formerly Invitae), Labcorp
Classification: Likely pathogenic. Last evaluated: 2022-03-10. Review status: criteria provided, single submitter. Criteria: Invitae Variant Classification Sherloc (09022015). Collection method: clinical testing. Allele origin: germline.
Comment: This sequence change affects an acceptor splice site in intron 1 of the ANK1 gene. It is expected to disrupt RNA splicing. Variants that disrupt the donor or acceptor splice site typically lead to a loss of protein function (PMID: 16199547), and loss-of-function variants in ANK1 are known to be pathogenic (PMID: 8640229). In summary, the currently available evidence indicates that the variant is pathogenic, but additional data are needed to prove that conclusively. Therefore, this variant has been classified as Likely Pathogenic. Algorithms developed to predict the effect of sequence changes on RNA splicing suggest that this variant may disrupt the consensus splice site. Disruption of this splice site has been observed in individual(s) with hereditary spherocytosis (PMID: 31980736). This variant is not present in population databases (gnomAD no frequency).

Literature cited by the submitters: PubMed 16199547; PubMed 8640229; PubMed 31980736.